The following is an entry in ClinVar:

NM_007078.3(LDB3):c.1310A>G (p.Tyr437Cys)

Gene: LDB3 (LIM domain binding 3; plus strand). Cytogenetic location: 10q23.2.
Variant type: single nucleotide variant.
Coding change: c.1310A>G on transcript NM_007078.3 (MANE Select); coding-DNA position 1310, A replaced by G.
Protein change: p.Tyr437Cys; replaces tyrosine 437 with cysteine.
Molecular consequence: missense variant.
Genome position (GRCh38, 1-based): chr10:86,716,405, A>G. VCF-style: chr10-86716405-A-G. GRCh37 (hg19) VCF-style: chr10-88476162-A-G.
Other names: c.980A>G, p.Tyr327Cys (NM_001080114.2); c.1325A>G, p.Tyr442Cys (NM_001171610.2); c.1121A>G, p.Tyr374Cys (NM_001368064.1, NM_001368065.1); c.1169A>G, p.Tyr390Cys (NM_001368066.1); short protein forms Y442C, Y327C, Y374C, Y390C, Y437C.
Identifiers: ClinVar variation 2815684 (VCV002815684.3), dbSNP rs865839671, ClinGen allele CA377449752.

ClinVar aggregate classification (germline): Uncertain significance (1 of 4 stars; one submission).

Conditions:
Myofibrillar myopathy 4. Also called: Zaspopathy (type). Identifiers: Orphanet 98912, MedGen C4721886, MONDO:0012277, OMIM 609452.

Submission:

Labcorp Genetics (formerly Invitae), Labcorp
Classification: Uncertain significance for Myofibrillar myopathy 4. Last evaluated: 2024-01-24. Review status: criteria provided, single submitter. Criteria: Invitae Variant Classification Sherloc (09022015). Collection method: clinical testing. Allele origin: germline.
Comment: The LDB3 gene has multiple clinically relevant transcripts. This variant occurs in alternate transcript NM_007078.3, and corresponds to NM_001080116.1:c.*17031A>G in the primary transcript. This sequence change replaces tyrosine, which is neutral and polar, with cysteine, which is neutral and slightly polar, at codon 437 of the LDB3 protein (p.Tyr437Cys). This variant is not present in population databases (gnomAD no frequency). This variant has not been reported in the literature in individuals affected with LDB3-related conditions. Experimental studies and prediction algorithms are not available or were not evaluated, and the functional significance of this variant is currently unknown. In summary, the available evidence is currently insufficient to determine the role of this variant in disease. Therefore, it has been classified as a Variant of Uncertain Significance.